The following is an entry in ClinVar:

NM_006506.5(RASA2):c.2469T>G (p.Pro823=)

Gene: RASA2 (RAS p21 protein activator 2; plus strand). Cytogenetic location: 3q23.
Variant type: single nucleotide variant.
Coding change: c.2469T>G on transcript NM_006506.5 (MANE Select); coding-DNA position 2469, T replaced by G.
Protein change: p.Pro823=; no amino-acid change (proline 823 retained).
Molecular consequence: synonymous variant.
Genome position (GRCh38, 1-based): chr3:141,610,016, T>G. VCF-style: chr3-141610016-T-G. GRCh37 (hg19) VCF-style: chr3-141328858-T-G.
Other names: c.2472T>G, p.Pro824= (NM_001303245.3); c.2481T>G, p.Pro827= (NM_001303246.3); c.2481T>G (NM_001303246.1); c.2469T>G (NM_006506.2).
Identifiers: ClinVar variation 1339658 (VCV001339658.6), dbSNP rs2107803362, ClinGen allele CA435899712.

ClinVar aggregate classification (germline): Likely benign. Review status: criteria provided, multiple submitters, no conflicts (2 of 4 stars). 5 submissions from 5 submitters: Likely benign (4). 1 of the submissions does not count toward it. Last evaluated 2025-06-27.

Conditions:
RASA2-related disorder. Also called: RASA2-related condition.

Allele frequency attached by ClinVar (database versions not stated): gnomAD exomes below 0.00001.
gnomAD v4.1: 5 of 1,603,338 alleles (0.00031%); highest among the groups gnomAD compares: East Asian, 0.0023%; no homozygotes.

Submissions (5):

Labcorp Genetics (formerly Invitae), Labcorp
Classification: Likely benign. Last evaluated: 2025-06-27. Review status: criteria provided, single submitter. Criteria: Invitae Variant Classification Sherloc (09022015). Collection method: clinical testing. Allele origin: germline.

Ambry Genetics
Classification: Likely benign. Last evaluated: 2024-05-05. Review status: criteria provided, single submitter. Criteria: Ambry Variant Classification Scheme 2023. Collection method: clinical testing. Allele origin: germline.

Women's Health and Genetics/Laboratory Corporation of America, LabCorp
Classification: Likely benign. Last evaluated: 2022-01-08. Review status: criteria provided, single submitter. Criteria: LabCorp Variant Classification Summary - May 2015. Collection method: clinical testing. Allele origin: germline.

Blueprint Genetics
Classification: Likely benign. Last evaluated: 2021-12-20. Review status: criteria provided, single submitter. Criteria: ACMG Guidelines, 2015. Collection method: clinical testing. Allele origin: germline.

PreventionGenetics, part of Exact Sciences
Classification: Likely benign for RASA2-related condition. Last evaluated: 2023-07-24. Review status: no assertion criteria provided. Collection method: clinical testing. Allele origin: germline. Not counted in ClinVar's aggregate classification.
Comment: This variant is classified as likely benign based on ACMG/AMP sequence variant interpretation guidelines (Richards et al. 2015 PMID: 25741868, with internal and published modifications).